The following is an entry in ClinVar:

NM_001377540.1(SLMAP):c.1720A>G (p.Ile574Val)

Gene: SLMAP (sarcolemma associated protein; plus strand). Cytogenetic location: 3p14.3.
Variant type: single nucleotide variant.
Coding change: c.1720A>G on transcript NM_001377540.1 (MANE Select); coding-DNA position 1720, A replaced by G.
Protein change: p.Ile574Val; replaces isoleucine 574 with valine.
Molecular consequence: missense variant. On other transcripts: non-coding transcript variant (1).
Genome position (GRCh38, 1-based): chr3:57,912,401, A>G. VCF-style: chr3-57912401-A-G. GRCh37 (hg19) VCF-style: chr3-57898128-A-G.
Other names: c.1669A>G, p.Ile557Val (NM_001304420.3, NM_001377541.1, NM_001377542.1); c.1555A>G, p.Ile519Val (NM_001304421.2, NM_001377557.1, NM_001377559.1); c.271A>G, p.Ile91Val (NM_001304422.3, NM_001311178.2); c.73A>G, p.Ile25Val (NM_001304423.3); c.148A>G, p.Ile50Val (NM_001311179.2, NM_001377926.1, NM_001377927.1 and 1 more transcripts); c.1741A>G, p.Ile581Val (NM_001377538.1); c.1720A>G, p.Ile574Val (NM_001377539.1); c.1657A>G, p.Ile553Val (NM_001377545.1); and 8 more; short protein forms I495V, I499V, I581V, I50V, I516V, I519V, I536V, I574V.
Identifiers: ClinVar variation 2083569 (VCV002083569.4), dbSNP rs1331141521, ClinGen allele CA353408122.

ClinVar aggregate classification (germline): Uncertain significance (1 of 4 stars; one submission).

Conditions:
Brugada syndrome. Also called: Sudden unexpected nocturnal death syndrome; Sudden Unexplained Death Syndrome; Sudden Unexplained Nocturnal Death Syndrome (SUNDS); Sudden unexplained nocturnal death syndrome. Identifiers: Orphanet 130, MedGen C1142166, MONDO:0015263.

Allele frequency attached by ClinVar (database versions not stated): gnomAD exomes 0.00001; TOPMed 0.00001; gnomAD 0.00003.
gnomAD v4.1: 15 of 1,612,832 alleles (0.00093%); highest among the groups gnomAD compares: Middle Eastern, 0.016%; no homozygotes.

Submission:

Labcorp Genetics (formerly Invitae), Labcorp
Classification: Uncertain significance for Brugada syndrome. Last evaluated: 2022-06-25. Review status: criteria provided, single submitter. Criteria: Invitae Variant Classification Sherloc (09022015). Collection method: clinical testing. Allele origin: germline.
Comment: In summary, the available evidence is currently insufficient to determine the role of this variant in disease. Therefore, it has been classified as a Variant of Uncertain Significance. Algorithms developed to predict the effect of missense changes on protein structure and function output the following: SIFT: "Tolerated"; PolyPhen-2: "Benign"; Align-GVGD: "Class C0". The valine amino acid residue is found in multiple mammalian species, which suggests that this missense change does not adversely affect protein function. This variant has not been reported in the literature in individuals affected with SLMAP-related conditions. This variant is present in population databases (no rsID available, gnomAD 0.004%). This sequence change replaces isoleucine, which is neutral and non-polar, with valine, which is neutral and non-polar, at codon 540 of the SLMAP protein (p.Ile540Val).